The following is an entry in ClinVar:

NM_000834.5(GRIN2B):c.2250C>G (p.Thr750=)

Gene: GRIN2B (glutamate ionotropic receptor NMDA type subunit 2B; minus strand). Cytogenetic location: 12p13.1.
Variant type: single nucleotide variant.
Coding change: c.2250C>G on transcript NM_000834.5 (MANE Select); coding-DNA position 2250, C replaced by G.
Protein change: p.Thr750=; no amino-acid change (threonine 750 retained).
Molecular consequence: synonymous variant.
Genome position (GRCh38, 1-based): chr12:13,569,939, G>C on the plus strand (C>G on the coding strand, the complement: GRIN2B is on the minus strand). VCF-style: chr12-13569939-G-C. GRCh37 (hg19) VCF-style: chr12-13722873-G-C.
Identifiers: ClinVar variation 511103 (VCV000511103.15), dbSNP rs752150199, ClinGen allele CA6461089.
Genomic context (GRCh38, chr12:13,569,939, plus strand): 5'-AGAATCTTTTTGGATGGCAATGCCATAGCCAGTGGAAGCAAAGACCTTCCCACTGCCAAT[G>C]GTCACCAGCTTGCAGCCTTCATCTCTGCCTGCCATATAGTTCAGCACTGCTGCATCATAG-3'
Protein context (NP_000825.2, residues 740-760): AGRDEGCKLV[Thr750=]IGSGKVFAST

ClinVar aggregate classification (germline): Likely benign. Review status: criteria provided, multiple submitters, no conflicts (2 of 4 stars). 4 submissions from 4 submitters: Likely benign (4). Last evaluated 2026-04-01.

Conditions:
Developmental and epileptic encephalopathy, 27 (DEE27). Also called: GRIN2B-Related Neurodevelopmental Disorder; Epileptic encephalopathy, early infantile, 27. Identifiers: Orphanet 3451, MedGen C4015316, MONDO:0014505, OMIM 616139.
Intellectual developmental disorder, autosomal dominant 6, with or without seizures. Also called: GRIN2B-related developmental delay, intellectual disability and autism spectrum disorder; Intellectual disability, autosomal dominant 6. Identifiers: Orphanet 589547, MedGen C3151411, MONDO:0013509, OMIM 613970.

Allele frequency attached by ClinVar (database versions not stated): gnomAD exomes 0.00001; ExAC 0.00002; TOPMed 0.00001.
gnomAD v4.1: 4 of 1,612,330 alleles (0.00025%); highest among the groups gnomAD compares: Admixed American, 0.005%; no homozygotes.

Submissions (4):

CeGaT Center for Human Genetics Tuebingen
Classification: Likely benign. Last evaluated: 2026-04-01. Review status: criteria provided, single submitter. Criteria: CeGaT Center For Human Genetics Tuebingen Variant Classification Criteria Version 2. Collection method: clinical testing. Allele origin: germline. Affected: yes. Observed: 1 variant allele.
Comment: GRIN2B: BP4, BP7

Labcorp Genetics (formerly Invitae), Labcorp
Classification: Likely benign for Developmental and epileptic encephalopathy, 27; Intellectual developmental disorder, autosomal dominant 6, with or without seizures. Last evaluated: 2025-09-08. Review status: criteria provided, single submitter. Criteria: Invitae Variant Classification Sherloc (09022015). Collection method: clinical testing. Allele origin: germline.

ARUP Laboratories, Molecular Genetics and Genomics, ARUP Laboratories
Classification: Likely benign. Last evaluated: 2024-10-23. Review status: criteria provided, single submitter. Criteria: ARUP Molecular Germline Variant Investigation Process 2024. Collection method: clinical testing. Allele origin: germline.

GeneDx
Classification: Likely benign. Last evaluated: 2021-02-24. Review status: criteria provided, single submitter. Criteria: GeneDx Variant Classification Process June 2021. Collection method: clinical testing. Allele origin: germline. Affected: yes.